The following is an entry in ClinVar:

NC_000005.10:g.112707431T>G

Gene: APC (APC regulator of Wnt signaling pathway; plus strand). Cytogenetic location: 5q22.2.
Variant type: single nucleotide variant.
Genome position: GRCh38 VCF-style: chr5-112707431-T-G. GRCh37 (hg19) VCF-style: chr5-112043128-T-G.
Identifiers: ClinVar variation 1004212 (VCV001004212.10), dbSNP rs532048458, ClinGen allele CA1573442288.

ClinVar aggregate classification (germline): Uncertain significance (1 of 4 stars; one submission).

Conditions:
Familial adenomatous polyposis 1 (FAP1). Also called: FAMILIAL ADENOMATOUS POLYPOSIS 1, ATTENUATED; POLYPOSIS, ADENOMATOUS INTESTINAL. Identifiers: MedGen C2713442, MONDO:0021056, OMIM 175100. Disease mechanism: loss of function.

Submission:

Labcorp Genetics (formerly Invitae), Labcorp
Classification: Uncertain significance for Familial adenomatous polyposis 1. Last evaluated: 2025-07-28. Review status: criteria provided, single submitter. Criteria: Invitae Variant Classification Sherloc (09022015). Collection method: clinical testing. Allele origin: germline.
Comment: This variant occurs in a non-coding region of the APC gene. It does not change the encoded amino acid sequence of the APC protein. This variant is not present in population databases (gnomAD no frequency). This variant has not been reported in the literature in individuals affected with APC-related conditions. Experimental studies and prediction algorithms are not available or were not evaluated, and the functional significance of this variant is currently unknown. In summary, the available evidence is currently insufficient to determine the role of this variant in disease. Therefore, it has been classified as a Variant of Uncertain Significance.